The following is an entry in ClinVar:

NM_016239.4(MYO15A):c.6436C>T (p.Arg2146Trp)

Gene: MYO15A (myosin XVA; plus strand). Cytogenetic location: 17p11.2.
Variant type: single nucleotide variant.
Coding change: c.6436C>T on transcript NM_016239.4 (MANE Select); coding-DNA position 6436, C replaced by T.
Protein change: p.Arg2146Trp; replaces arginine 2146 with tryptophan.
Molecular consequence: missense variant.
Genome position (GRCh38, 1-based): chr17:18,146,034, C>T. VCF-style: chr17-18146034-C-T. GRCh37 (hg19) VCF-style: chr17-18049348-C-T.
Other names: c.6436C>T (NM_016239.3); short protein forms R2146W.
Identifiers: ClinVar variation 1180762 (VCV001180762.7), dbSNP rs375805896, ClinGen allele CA8424587.
Genomic context (GRCh38, chr17:18,146,034, plus strand): 5'-GAGATCCTGGCACAGCTGGCCAATCAGGTGTGGCACAATCACAATGCCCACAATGCTGAG[C>T]GGGGCTGGCTGCTGCTGGCCGCCTGCCTCAGTGGCTTTGCACCTTCCCCGTGCTTCAACA-3'
Protein context (NP_057323.3, residues 2136-2156): WHNHNAHNAE[Arg2146Trp]GWLLLAACLS

ClinVar aggregate classification (germline): Conflicting classifications of pathogenicity. Review status: criteria provided, conflicting classifications (1 of 4 stars). 5 submissions from 5 submitters: Likely pathogenic (3); Uncertain significance (2). Last evaluated 2026-04-25.

Conditions:
MYO15A-related disorder. Also called: MYO15A-related condition.
Autosomal recessive nonsyndromic hearing loss 3. Also called: NEUROSENSORY NONSYNDROMIC RECESSIVE DEAFNESS 3. Identifiers: Orphanet 90636, MedGen C1838263, MONDO:0010860, OMIM 600316.
Ear malformation. Also called: CUP EAR; Abnormality of the ear. Identifiers: MedGen C0266589, MONDO:0007500, OMIM 128600, HP:0000598.

Allele frequency attached by ClinVar (database versions not stated): ExAC 0.00001; gnomAD exomes 0.00001; ESP Exome Variant Server 0.00008.
gnomAD v4.1: 13 of 1,613,770 alleles (0.00081%); highest among the groups gnomAD compares: African/African-American, 0.0027%; no homozygotes.

Submissions (5):

PreventionGenetics, part of Exact Sciences
Classification: Uncertain significance for MYO15A-related condition. Last evaluated: 2026-04-25. Review status: criteria provided, single submitter. Criteria: ACMG Guidelines, 2015. Collection method: clinical testing. Allele origin: germline.
Comment: The MYO15A c.6436C>T variant is predicted to result in the amino acid substitution p.Arg2146Trp. This variant was reported in the homozygous state and in the heterozygous state with unknown phase to a truncating variant in two individuals with hearing loss (Mehregan et al. 2019. PubMed ID: 30579064; Table S2, Abolhassani et al. 2024. PubMed ID: 38374194). An alternative substitution at this position (p.Arg2146Gln) has been reported as pathogenic (Woo et al. 2013. PubMed ID: 23865914). This variant is reported in 0.0080% of alleles in individuals of European (Finnish) descent in gnomAD. Although we suspect that this variant may be pathogenic, at this time, the clinical significance of this variant is uncertain due to the absence of conclusive functional and genetic evidence.

Fulgent Genetics
Classification: Likely pathogenic for Autosomal recessive nonsyndromic hearing loss 3. Last evaluated: 2024-06-14. Review status: criteria provided, single submitter. Criteria: ACMG Guidelines, 2015. Collection method: clinical testing. Allele origin: germline.

Women's Health and Genetics/Laboratory Corporation of America, LabCorp
Classification: Uncertain significance. Last evaluated: 2024-06-06. Review status: criteria provided, single submitter. Criteria: LabCorp Variant Classification Summary - May 2015. Collection method: clinical testing. Allele origin: germline.
Comment: Variant summary: MYO15A c.6436C>T (p.Arg2146Trp) results in a non-conservative amino acid change located in the MyTH4 domain (IPR000857) of the encoded protein sequence. Five of five in-silico tools predict a damaging effect of the variant on protein function. The variant allele was found at a frequency of 1.2e-05 in 248754 control chromosomes (gnomAD). c.6436C>T has been reported in the literature in at least an individual affected with autosomal recessive nonsyndromic hearing loss 3 (Mehregan_2019). The variant also segregated with the disease in this family. These data indicate that the variant may be associated with disease. To our knowledge, no experimental evidence demonstrating an impact on protein function has been reported. The following publication have been ascertained in the context of this evaluation (PMID: 30579064). ClinVar contains an entry for this variant (Variation ID: 1180762). Based on the evidence outlined above, the variant was classified as VUS-possibly pathogenic.

GeneDx
Classification: Likely pathogenic. Last evaluated: 2024-06-04. Review status: criteria provided, single submitter. Criteria: GeneDx Variant Classification Process June 2021. Collection method: clinical testing. Allele origin: germline.
Comment: In silico analysis supports that this missense variant has a deleterious effect on protein structure/function; This variant is associated with the following publications: (PMID: 30579064, 30953472, 35346193, 23865914)

Kariminejad - Najmabadi Pathology & Genetics Center
Classification: Likely pathogenic for Ear malformation. Last evaluated: 2021-07-10. Review status: criteria provided, single submitter. Criteria: ACMG Guidelines, 2015. Collection method: clinical testing. Allele origin: germline. Affected: yes.

Literature cited by the submitters: PubMed 30579064 (cited by Women's Health and Genetics/Laboratory Corporation of America, LabCorp).